The following is an entry in ClinVar:

NM_000540.3(RYR1):c.4999C>A (p.Arg1667Ser)

Gene: RYR1 (ryanodine receptor 1; plus strand). Cytogenetic location: 19q13.2.
Variant type: single nucleotide variant.
Coding change: c.4999C>A on transcript NM_000540.3 (MANE Select); coding-DNA position 4999, C replaced by A.
Protein change: p.Arg1667Ser; replaces arginine 1667 with serine.
Molecular consequence: missense variant.
Genome position (GRCh38, 1-based): chr19:38,485,654, C>A. VCF-style: chr19-38485654-C-A. GRCh37 (hg19) VCF-style: chr19-38976294-C-A.
Other names: c.4999C>A, p.Arg1667Ser (NM_001042723.2); short protein forms R1667S.
Identifiers: ClinVar variation 3387727 (VCV003387727.1).

ClinVar aggregate classification (germline): Uncertain significance (1 of 4 stars; one submission).

Conditions:
Malignant hyperthermia, susceptibility to, 1 (MHS1). Also called: Anesthesia related hyperthermia; Malignant hyperpyrexia; Fulminating hyperpyrexia; Pharmacogenic myopathy; RYR1-Related Malignant Hyperthermia Susceptibility; Malignant hyperthermia suceptibility 1. Identifiers: Orphanet 423, MedGen C2930980, MONDO:0007783, OMIM 145600.

Submission:

All of Us Research Program, National Institutes of Health
Classification: Uncertain significance for Malignant hyperthermia, susceptibility to, 1. Last evaluated: 2024-09-23. Review status: criteria provided, single submitter. Criteria: ACMG Guidelines, 2015. Collection method: clinical testing. Allele origin: germline. Inheritance: Autosomal dominant inheritance. Observed: 2 variant alleles, 2 heterozygotes.
Comment: This missense variant replaces arginine with serine at codon 1667 of the RYR1 protein. Computational prediction suggests that this variant may not impact protein structure and function. To our knowledge, functional studies have not been reported for this variant. This variant has not been reported in individuals affected with RYR1-related disorders in the literature. This variant has not been identified in the general population by the Genome Aggregation Database (gnomAD). The available evidence is insufficient to determine the role of this variant in disease conclusively. Therefore, this variant is classified as a Variant of Uncertain Significance.

This study involves interpretation of variants in research participants for the purpose of population health screening. Participant phenotype was not available at the time of variant classification. Additional details can be found in publication PMID: 35346344, PMCID: PMC8962531